The following is an entry in ClinVar:

NM_000111.3(SLC26A3):c.1736G>A (p.Arg579Gln)

Gene: SLC26A3 (solute carrier family 26 member 3; minus strand). Cytogenetic location: 7q22.3.
Variant type: single nucleotide variant.
Coding change: c.1736G>A on transcript NM_000111.3 (MANE Select); coding-DNA position 1736, G replaced by A.
Protein change: p.Arg579Gln; replaces arginine 579 with glutamine.
Molecular consequence: missense variant.
Genome position (GRCh38, 1-based): chr7:107,774,814, C>T on the plus strand (G>A on the coding strand, the complement: SLC26A3 is on the minus strand). VCF-style: chr7-107774814-C-T. GRCh37 (hg19) VCF-style: chr7-107415259-C-T.
Other names: short protein forms R579Q.
Identifiers: ClinVar variation 1477855 (VCV001477855.3), dbSNP rs201969535, ClinGen allele CA4433714.

ClinVar aggregate classification (germline): Uncertain significance (1 of 4 stars; one submission).

Allele frequency attached by ClinVar (database versions not stated): ExAC 0.00003; gnomAD 0.00003 and 0.00004; gnomAD exomes 0.00004 and 0.00006; TOPMed 0.00005.
gnomAD v4.1: 66 of 1,613,988 alleles (0.0041%); highest among the groups gnomAD compares: South Asian, 0.015%; 1 homozygote.

Submission:

Labcorp Genetics (formerly Invitae), Labcorp
Classification: Uncertain significance. Last evaluated: 2022-08-20. Review status: criteria provided, single submitter. Criteria: Invitae Variant Classification Sherloc (09022015). Collection method: clinical testing. Allele origin: germline.
Comment: This sequence change replaces arginine, which is basic and polar, with glutamine, which is neutral and polar, at codon 579 of the SLC26A3 protein (p.Arg579Gln). This variant is present in population databases (rs201969535, gnomAD 0.01%). This variant has not been reported in the literature in individuals affected with SLC26A3-related conditions. ClinVar contains an entry for this variant (Variation ID: 1477855). Algorithms developed to predict the effect of missense changes on protein structure and function are either unavailable or do not agree on the potential impact of this missense change (SIFT: "Deleterious"; PolyPhen-2: "Benign"; Align-GVGD: "Class C0"). In summary, the available evidence is currently insufficient to determine the role of this variant in disease. Therefore, it has been classified as a Variant of Uncertain Significance.